The following is an entry in ClinVar:

NM_015631.6(TCTN3):c.851dup (p.Val285fs)

Gene: TCTN3 (tectonic family member 3; minus strand). Cytogenetic location: 10q24.1.
Variant type: Duplication.
Coding change: c.851dup on transcript NM_015631.6 (MANE Select); coding-DNA position 851, one base duplicated (A; older notation c.851dupA).
Protein change: p.Val285fs; shifts the reading frame from valine 285.
Molecular consequence: frameshift variant.
Genome position (GRCh38, 1-based): chr10:95,687,045, T duplicated on the plus strand (A on the coding strand, the reverse complement: TCTN3 is on the minus strand); the first of 3 consecutive T bases (chr10:95,687,045-95,687,047); duplicating any one gives the same sequence. VCF-style (leftmost placement, unchanged base first): chr10-95687044-C-CT. GRCh37 (hg19) VCF-style: chr10-97446801-C-CT.
Other names: c.903dup, p.Val303Glyfs (NM_001013840.1); c.614dup, p.Val206fs (NM_001143973.2); c.851dup, p.Val285fs (NM_001410982.1); short protein forms V206fs, V285fs.
Identifiers: ClinVar variation 2953560 (VCV002953560.3), dbSNP rs1202783767, ClinGen allele CA2740093480.
Genomic context (GRCh38, chr10:95,687,044, plus strand): 5'-AGAAGCATGTTCACTTCAACTTCATAGTAGTGACAGTGTAGGGAGAGAAAGGACACCTAC[C>CT]TTTAAGACTGTGAAGTTATAGTAAGAGGCAGCATTGAGGGCTGAATCCAAGGTACAGCTA-3'

ClinVar aggregate classification (germline): Pathogenic (1 of 4 stars; one submission).

Conditions:
Joubert syndrome 18 (JBTS18). Identifiers: Orphanet 2754, MedGen C3553758, MONDO:0013896, OMIM 614815.
Orofacial-digital syndrome IV (OFD4). Also called: BARAITSER-BURN SYNDROME; OFD SYNDROME WITH TIBIAL DEFECTS; OFD SYNDROME, BARAITSER-BURN TYPE; OFDS IV; ORAL-FACIAL-DIGITAL SYNDROME, TYPE IV; Orofaciodigital syndrome IV. Identifiers: Orphanet 2753, MedGen C0406727, MONDO:0009794, OMIM 258860.

Submission:

Labcorp Genetics (formerly Invitae), Labcorp
Classification: Pathogenic for Joubert syndrome 18; Orofacial-digital syndrome IV. Last evaluated: 2024-01-10. Review status: criteria provided, single submitter. Criteria: Invitae Variant Classification Sherloc (09022015). Collection method: clinical testing. Allele origin: germline.
Comment: This sequence change creates a premature translational stop signal (p.Val285Glyfs*7) in the TCTN3 gene. It is expected to result in an absent or disrupted protein product. Loss-of-function variants in TCTN3 are known to be pathogenic (PMID: 2692869, 22883145, 25118024). This variant is not present in population databases (gnomAD no frequency). This variant has not been reported in the literature in individuals affected with TCTN3-related conditions. For these reasons, this variant has been classified as Pathogenic.

Literature cited by the submitters: PubMed 2692869; PubMed 22883145; PubMed 25118024.